The following is an entry in ClinVar:

NM_001250.6(CD40):c.404-120A>T

Gene: CD40 (CD40 molecule; plus strand). Cytogenetic location: 20q13.12.
Variant type: single nucleotide variant.
Coding change: c.404-120A>T on transcript NM_001250.6 (MANE Select); 120 bases into the intron before coding-DNA position 404, A replaced by T.
Molecular consequence: intron variant.
Genome position (GRCh38, 1-based): chr20:46,123,006, A>T. VCF-style: chr20-46123006-A-T. GRCh37 (hg19) VCF-style: chr20-44751645-A-T.
Other names: c.404-120A>T (NM_001302753.2, NM_001322421.2, NM_001362758.2 and 1 more transcripts); c.403+250A>T (NM_001322422.2).
Identifiers: ClinVar variation 1706661 (VCV001706661.2), dbSNP rs11569322, ClinGen allele CA315651442.

ClinVar aggregate classification (germline): Likely benign (1 of 4 stars; one submission).

Allele frequency attached by ClinVar (database versions not stated): 1000 Genomes Project 30x 0.01202; 1000 Genomes Project 0.01218.
gnomAD v4.1: 12,585 of 932,470 alleles (1.3%); highest among the groups gnomAD compares: South Asian, 3.9%; 173 homozygotes.

Submission:

GeneDx
Classification: Likely benign. Last evaluated: 2019-06-06. Review status: criteria provided, single submitter. Criteria: GeneDx Variant Classification Process June 2021. Collection method: clinical testing. Allele origin: germline. Affected: yes.
Comment: See Variant Classification Assertion Criteria.